The following is an entry in ClinVar:

ClinVar aggregate classification (germline): Uncertain significance (1 of 4 stars; one submission).

Submission:

GeneDx
Classification: Uncertain significance. Last evaluated: 2026-02-11. Review status: criteria provided, single submitter. Criteria: GeneDx Variant Classification Process June 2021. Collection method: clinical testing. Allele origin: germline.
Comment: Not observed at significant frequency in large population cohorts (gnomAD); In silico analysis supports that this missense variant has a deleterious effect on protein structure/function; Has not been previously published as pathogenic or benign to our knowledge

NM_014290.3(TDRD7):c.1889T>A (p.Ile630Asn)

Gene: TDRD7 (tudor domain containing 7; plus strand). Cytogenetic location: 9q22.33.
Variant type: single nucleotide variant.
Coding change: c.1889T>A on transcript NM_014290.3 (MANE Select); coding-DNA position 1889, T replaced by A.
Protein change: p.Ile630Asn; replaces isoleucine 630 with asparagine.
Molecular consequence: missense variant.
Genome position (GRCh38, 1-based): chr9:97,472,440, T>A. VCF-style: chr9-97472440-T-A. GRCh37 (hg19) VCF-style: chr9-100234722-T-A.
Other names: c.1667T>A, p.Ile556Asn (NM_001302884.2); short protein forms I630N, I556N.
Identifiers: ClinVar variation 5008338 (VCV005008338.1).
Genomic context (GRCh38, chr9:97,472,440, plus strand): 5'-ACAAAGCTGACATTCCACTTGTTGTTCTGTACGATACCTCAGGAGAAGATGATATCAATA[T>A]CAATGCCACCTGCTTGAAGGCTATATGTGACAAGTCACTAGAGGTTCACCTGCAGGTACC-3'
Protein context (NP_055105.2, residues 620-640): YDTSGEDDIN[Ile630Asn]NATCLKAICD